The following continues an entry in ClinVar:

NM_000038.6(APC):c.904C>T (p.Arg302Ter)

Gene: APC. ClinVar aggregate classification (germline): Pathogenic/Likely pathogenic. Pathogenic (12); Likely pathogenic (1). ClinVar aggregate classification (oncogenicity): Likely oncogenic.

Submissions 13 to 19 of 19:

Center for Human Genetics, Inc
Classification: Pathogenic for Familial multiple polyposis syndrome. Last evaluated: 2016-11-01. Review status: criteria provided, single submitter. Criteria: ACMG Guidelines, 2015. Collection method: clinical testing. Allele origin: germline. Affected: yes.

University of Washington Department of Laboratory Medicine, University of Washington
Classification: Pathogenic for Colorectal cancer, susceptibility to. Last evaluated: 2015-11-20. Review status: criteria provided, single submitter. Criteria: Shirts et al. (Genet Med 2016). Collection method: clinical testing. Allele origin: germline. Affected: no. Observed: 1 variant allele.

Division of Human Genetics, Children's Hospital of Philadelphia
Classification: Pathogenic for Familial adenomatous polyposis 1. Last evaluated: 2016-06-11. Review status: no assertion criteria provided. Collection method: research. Allele origin: germline. Study: CSER-PediSeq. Not counted in ClinVar's aggregate classification.

OMIM
Classification: Pathogenic for GARDNER SYNDROME. Last evaluated: 2006-11-30. Review status: no assertion criteria provided. Collection method: literature only. Allele origin: germline. Not counted in ClinVar's aggregate classification.

OMIM
Classification: Pathogenic for FAMILIAL ADENOMATOUS POLYPOSIS 1. Last evaluated: 1991-08-09. Review status: no assertion criteria provided. Collection method: literature only. Allele origin: germline. Not counted in ClinVar's aggregate classification.

Department of Pathology and Laboratory Medicine, Sinai Health System
Classification: Uncertain significance. Review status: no assertion criteria provided. Collection method: clinical testing. Allele origin: unknown. Affected: yes. Observed: 5 variant alleles. Study: The Canadian Open Genetics Repository (COGR). Not counted in ClinVar's aggregate classification.

Mayo Clinic Laboratories, Mayo Clinic
Classification: Pathogenic. Review status: no assertion criteria provided. Collection method: research. Allele origin: unknown. Observed: 1 variant allele. Not counted in ClinVar's aggregate classification.

Literature cited by the submitters: PubMed 17963004 (cited by Labcorp Genetics (formerly Invitae), Labcorp); PubMed 20685668 (cited by Labcorp Genetics (formerly Invitae), Labcorp and Quest Diagnostics Nichols Institute San Juan Capistrano); PubMed 1651563 (cited by 4 submitters); PubMed 11317365 (cited by Labcorp Genetics (formerly Invitae), Labcorp); PubMed 16317745 (cited by Labcorp Genetics (formerly Invitae), Labcorp); PubMed 23159591 (cited by Labcorp Genetics (formerly Invitae), Labcorp and Quest Diagnostics Nichols Institute San Juan Capistrano); PubMed 23561487 (cited by 4 submitters); PubMed 34352208 (cited by Center for Genomic Medicine, Rigshospitalet, Copenhagen University Hospital); PubMed 28179481 (cited by Center for Genomic Medicine, Rigshospitalet, Copenhagen University Hospital); PubMed 8162022 (cited by All of Us Research Program, National Institutes of Health); PubMed 15857185 (cited by All of Us Research Program, National Institutes of Health); PubMed 20223039 (cited by All of Us Research Program, National Institutes of Health and Women's Health and Genetics/Laboratory Corporation of America, LabCorp); PubMed 20924072 (cited by 3 submitters); PubMed 30897307 (cited by All of Us Research Program, National Institutes of Health); PubMed 31942411 (cited by All of Us Research Program, National Institutes of Health); PubMed 24841357 (cited by Women's Health and Genetics/Laboratory Corporation of America, LabCorp); Nishisho, I., Nakamura, Y., Miyoshi, Y., Miki, Y., Ando, H., Horii, A., Koyama, K., Utsunomiya, J., Baba, S., Hedge, P., Markham, A., Krush, A. J., Petersen, G., Hamilton, S. R., Nilbert, M. C., Levy, D. B., Bryan, T. M., Preisinger, A. C., Smith, K. J., Su, L.-K., Kinzler, K. W., Vogelstein, B. Mutations of chromosome 5q21 genes in FAP and colorectal cancer patients. Science 253: 665-669, 1991. (cited by OMIM); PubMed 17135589 (cited by OMIM); PubMed 1651174 (cited by OMIM).